The following is an entry in ClinVar:

NM_001271938.2(MEGF8):c.5462A>G (p.Asn1821Ser)

Gene: MEGF8 (multiple EGF like domains 8; plus strand). Cytogenetic location: 19q13.2.
Variant type: single nucleotide variant.
Coding change: c.5462A>G on transcript NM_001271938.2 (MANE Select); coding-DNA position 5462, A replaced by G.
Protein change: p.Asn1821Ser; replaces asparagine 1821 with serine.
Molecular consequence: missense variant.
Genome position (GRCh38, 1-based): chr19:42,359,216, A>G. VCF-style: chr19-42359216-A-G. GRCh37 (hg19) VCF-style: chr19-42863368-A-G.
Other names: c.5261A>G, p.Asn1754Ser (NM_001410.3); short protein forms N1821S, N1754S.
Identifiers: ClinVar variation 1975707 (VCV001975707.5), dbSNP rs2039497537, ClinGen allele CA406124571.
Genomic context (GRCh38, chr19:42,359,216, plus strand): 5'-GGGGGCGCTCGGACCCTGACGAGTTCAGCAGCGACGTTCTGCTCTACCAGGTCAACTGCA[A>G]TGCCTGGCTTCTGCCCGACCTCACCCGTAAGTCCCCATTGTGGCTCCCAGGAGGCTGAGG-3'
Protein context (NP_001258867.1, residues 1811-1831): SDVLLYQVNC[Asn1821Ser]AWLLPDLTRS

ClinVar aggregate classification (germline): Uncertain significance (1 of 4 stars; one submission).

Conditions:
MEGF8-related Carpenter syndrome. Also called: Carpenter syndrome 2. Identifiers: Orphanet 65759, MedGen C3554247, MONDO:0013998, OMIM 614976.

Allele frequency attached by ClinVar (database versions not stated): gnomAD exomes below 0.00001; gnomAD 0.00001; TOPMed 0.00001.
gnomAD v4.1: 2 of 1,589,136 alleles (0.00013%); highest among the groups gnomAD compares: African/African-American, 0.0027%; no homozygotes.

Submission:

Labcorp Genetics (formerly Invitae), Labcorp
Classification: Uncertain significance for MEGF8-related Carpenter syndrome. Last evaluated: 2022-07-29. Review status: criteria provided, single submitter. Criteria: Invitae Variant Classification Sherloc (09022015). Collection method: clinical testing. Allele origin: germline.
Comment: This sequence change replaces asparagine, which is neutral and polar, with serine, which is neutral and polar, at codon 1754 of the MEGF8 protein (p.Asn1754Ser). This variant is not present in population databases (gnomAD no frequency). This variant has not been reported in the literature in individuals affected with MEGF8-related conditions. Algorithms developed to predict the effect of missense changes on protein structure and function are either unavailable or do not agree on the potential impact of this missense change (SIFT: "Deleterious"; PolyPhen-2: "Probably Damaging"; Align-GVGD: "Class C0"). In summary, the available evidence is currently insufficient to determine the role of this variant in disease. Therefore, it has been classified as a Variant of Uncertain Significance.